The following is an entry in ClinVar:

NM_015488.5(PNKD):c.970G>T (p.Glu324Ter)

Genes: CATIP-AS2 (CATIP antisense RNA 2; minus strand), PNKD (PNKD metallo-beta-lactamase domain containing; plus strand). Cytogenetic location: 2q35.
Variant type: single nucleotide variant.
Coding change: c.970G>T on transcript NM_015488.5 (MANE Select); coding-DNA position 970, G replaced by T.
Protein change: p.Glu324Ter; replaces glutamic acid 324 with a stop codon.
Molecular consequence: nonsense.
Genome position (GRCh38, 1-based): chr2:218,344,556, G>T. VCF-style: chr2-218344556-G-T. GRCh37 (hg19) VCF-style: chr2-219209279-G-T.
Other names: c.898G>T, p.Glu300Ter (NM_022572.5); short protein forms E300*, E324*.
Identifiers: ClinVar variation 945464 (VCV000945464.8), dbSNP rs781505065, ClinGen allele CA2104165.

ClinVar aggregate classification (germline): Uncertain significance (1 of 4 stars; one submission).

Conditions:
Paroxysmal nonkinesigenic dyskinesia. Also called: Paroxysmal non-kinesigenic dyskinesia. Identifiers: Orphanet 98810, MedGen C1869117, MONDO:0700088.

Allele frequency attached by ClinVar (database versions not stated): gnomAD exomes 0.00001 and 0.00002; ExAC 0.00004.
gnomAD v4.1: 5 of 1,588,854 alleles (0.00031%); highest among the groups gnomAD compares: Admixed American, 0.0091%; no homozygotes.

Submission:

Labcorp Genetics (formerly Invitae), Labcorp
Classification: Uncertain significance for Paroxysmal nonkinesigenic dyskinesia. Last evaluated: 2025-08-30. Review status: criteria provided, single submitter. Criteria: Invitae Variant Classification Sherloc (09022015). Collection method: clinical testing. Allele origin: germline.
Comment: This sequence change creates a premature translational stop signal (p.Glu324*) in the PNKD gene. While this is not anticipated to result in nonsense mediated decay, it is expected to disrupt the last 62 amino acid(s) of the PNKD protein. The frequency data for this variant in the population databases is considered unreliable, as metrics indicate poor data quality at this position in the gnomAD database. This variant has not been reported in the literature in individuals affected with PNKD-related conditions. ClinVar contains an entry for this variant (Variation ID: 945464). Experimental studies and prediction algorithms are not available or were not evaluated, and the functional significance of this variant is currently unknown. In summary, the available evidence is currently insufficient to determine the role of this variant in disease. Therefore, it has been classified as a Variant of Uncertain Significance.